The following is an entry in ClinVar:

NM_005228.5(EGFR):c.3049C>T (p.Leu1017Phe)

Gene: EGFR (epidermal growth factor receptor; plus strand). Cytogenetic location: 7p11.2.
Variant type: single nucleotide variant.
Coding change: c.3049C>T on transcript NM_005228.5 (MANE Select); coding-DNA position 3049, C replaced by T.
Protein change: p.Leu1017Phe; replaces leucine 1017 with phenylalanine.
Molecular consequence: missense variant.
Genome position (GRCh38, 1-based): chr7:55,201,290, C>T. VCF-style: chr7-55201290-C-T. GRCh37 (hg19) VCF-style: chr7-55268983-C-T.
Other names: c.2914C>T, p.Leu972Phe (NM_001346897.2, NM_001346899.2); c.3049C>T, p.Leu1017Phe (NM_001346898.2); c.2890C>T, p.Leu964Phe (NM_001346900.2); c.2248C>T, p.Leu750Phe (NM_001346941.2); c.3049C>T (NM_005228.3); short protein forms L1017F, L750F, L964F, L972F.
Identifiers: ClinVar variation 1023460 (VCV001023460.10), dbSNP rs1345851089, ClinGen allele CA367582562.

ClinVar aggregate classification (germline): Uncertain significance. Review status: criteria provided, multiple submitters, no conflicts (2 of 4 stars). 2 submissions from 2 submitters: Uncertain significance (2). Last evaluated 2025-08-24.

Conditions:
Hereditary cancer-predisposing syndrome. Also called: Hereditary Cancer Syndrome; Neoplastic Syndromes, Hereditary; Tumor predisposition; Hereditary neoplastic syndrome. Identifiers: Orphanet 140162, MedGen C0027672, MeSH D009386, MONDO:0015356.
EGFR-related lung cancer (EGFR). Identifiers: MedGen CN130014.

Allele frequency attached by ClinVar (database versions not stated): gnomAD exomes below 0.00001.
gnomAD v4.1: 1 of 1,613,900 alleles (0.000062%); highest among the groups gnomAD compares: Non-Finnish European, 0.000085%; no homozygotes.

Submissions (2):

Labcorp Genetics (formerly Invitae), Labcorp
Classification: Uncertain significance for EGFR-related lung cancer. Last evaluated: 2025-08-24. Review status: criteria provided, single submitter. Criteria: Invitae Variant Classification Sherloc (09022015). Collection method: clinical testing. Allele origin: germline.
Comment: This sequence change replaces leucine, which is neutral and non-polar, with phenylalanine, which is neutral and non-polar, at codon 1017 of the EGFR protein (p.Leu1017Phe). This variant is present in population databases (no rsID available, gnomAD 0.0009%). This variant has not been reported in the literature in individuals affected with EGFR-related conditions. ClinVar contains an entry for this variant (Variation ID: 1023460). Invitae Evidence Modeling of protein sequence and biophysical properties (such as structural, functional, and spatial information, amino acid conservation, physicochemical variation, residue mobility, and thermodynamic stability) indicates that this missense variant is expected to disrupt EGFR protein function with a positive predictive value of 80%. In summary, the available evidence is currently insufficient to determine the role of this variant in disease. Therefore, it has been classified as a Variant of Uncertain Significance.

Ambry Genetics
Classification: Uncertain significance for Hereditary cancer-predisposing syndrome. Last evaluated: 2025-07-28. Review status: criteria provided, single submitter. Criteria: Ambry Variant Classification Scheme 2023. Collection method: clinical testing. Allele origin: germline.
Comment: The p.L1017F variant (also known as c.3049C>T), located in coding exon 25 of the EGFR gene, results from a C to T substitution at nucleotide position 3049. The leucine at codon 1017 is replaced by phenylalanine, an amino acid with highly similar properties. This amino acid position is highly conserved in available vertebrate species. In addition, the in silico prediction for this alteration is inconclusive. Based on the available evidence, the clinical significance of this variant remains unclear.